The following is an entry in ClinVar:

NM_024753.5(TTC21B):c.3702T>C (p.Tyr1234=)

Gene: TTC21B (tetratricopeptide repeat domain 21B; minus strand). Cytogenetic location: 2q24.3.
Variant type: single nucleotide variant.
Coding change: c.3702T>C on transcript NM_024753.5 (MANE Select); coding-DNA position 3702, T replaced by C.
Protein change: p.Tyr1234=; no amino-acid change (tyrosine 1234 retained).
Molecular consequence: synonymous variant.
Genome position (GRCh38, 1-based): chr2:165,880,782, A>G on the plus strand (T>C on the coding strand, the complement: TTC21B is on the minus strand). VCF-style: chr2-165880782-A-G. GRCh37 (hg19) VCF-style: chr2-166737292-A-G.
Identifiers: ClinVar variation 704930 (VCV000704930.13), dbSNP rs376746146, ClinGen allele CA1941424.
Genomic context (GRCh38, chr2:165,880,782, plus strand): 5'-ATAGTTCAAGGCAGCATCTGTATATGCTTGCTCTTTTTCCATAATGTATCCCATATATTC[A>G]TAAGCTTTGCAGCAAGACTGAAGAAAAATGGGAGACATCAATAGATTAAACTTGATATCA-3'
Protein context (NP_079029.3, residues 1224-1244): LRHNRSCCKA[Tyr1234=]EYMGYIMEKE

ClinVar aggregate classification (germline): Conflicting classifications of pathogenicity. Review status: criteria provided, conflicting classifications (1 of 4 stars). 3 submissions from 3 submitters: Uncertain significance (1); Likely benign (2). Last evaluated 2025-06-12.

Conditions:
Nephronophthisis. Also called: Juvenile Nephronophthisis. Identifiers: Orphanet 655, MedGen C0687120, MONDO:0019005, HP:0000090.
Jeune thoracic dystrophy. Also called: Jeune syndrome; Infantile thoracic dystrophy; Thoracic pelvic phalangeal dystrophy; Jeune's syndrome; Chondroectodermal dysplasia-like syndrome; Short-rib thoracic dysplasia. Identifiers: Orphanet 474, MedGen C0265275, MONDO:0018770.
TTC21B-related disorder. Also called: TTC21B-related condition; TTC21B-related disorders.
Connective tissue disorder. Also called: Connective tissue disease. Identifiers: MedGen C0009782, MONDO:0003900.

Allele frequency attached by ClinVar (database versions not stated): ExAC 0.00003; ESP Exome Variant Server 0.00008; gnomAD 0.00001; TOPMed 0.00001; gnomAD exomes 0.00002.
gnomAD v4.1: 22 of 1,612,654 alleles (0.0014%); highest among the groups gnomAD compares: Admixed American, 0.005%; no homozygotes.

Submissions (3):

Labcorp Genetics (formerly Invitae), Labcorp
Classification: Likely benign for Jeune thoracic dystrophy; Nephronophthisis. Last evaluated: 2025-06-12. Review status: criteria provided, single submitter. Criteria: Invitae Variant Classification Sherloc (09022015). Collection method: clinical testing. Allele origin: germline.

PreventionGenetics, part of Exact Sciences
Classification: Likely benign for TTC21B-related condition. Last evaluated: 2024-10-13. Review status: criteria provided, single submitter. Criteria: ACMG Guidelines, 2015. Collection method: clinical testing. Allele origin: germline.
Comment: This variant is classified as likely benign based on ACMG/AMP sequence variant interpretation guidelines (Richards et al. 2015 PMID: 25741868, with internal and published modifications).

Genome Diagnostics Laboratory, The Hospital for Sick Children
Classification: Uncertain significance for Connective tissue disorder. Last evaluated: 2020-03-01. Review status: criteria provided, single submitter. Criteria: ACMG Guidelines, 2015. Collection method: clinical testing. Allele origin: germline.